The following is an entry in ClinVar:

NM_007186.6(CEP250):c.4106C>T (p.Ala1369Val)

Gene: CEP250 (centrosomal protein 250; plus strand). Cytogenetic location: 20q11.22.
Variant type: single nucleotide variant.
Coding change: c.4106C>T on transcript NM_007186.6 (MANE Select); coding-DNA position 4106, C replaced by T.
Protein change: p.Ala1369Val; replaces alanine 1369 with valine.
Molecular consequence: missense variant.
Genome position (GRCh38, 1-based): chr20:35,502,475, C>T. VCF-style: chr20-35502475-C-T. GRCh37 (hg19) VCF-style: chr20-34090303-C-T.
Other names: c.4106C>T (NM_007186.3); c.2210C>T, p.Ala737Val (NM_001318219.1); short protein forms A1369V, A737V.
Identifiers: ClinVar variation 1394151 (VCV001394151.8), dbSNP rs142447631, ClinGen allele CA9833665.
Genomic context (GRCh38, chr20:35,502,475, plus strand): 5'-CCAAGGAGAACCTGACAGCCCAGGTGGAACACCTGCAAGCAGCTGTCGTAGAAGCCAGGG[C>T]TCAGGCAAGTGCTGCTGGCATCCTGGAAGAAGACCTGAGAACGGCTCGCTCAGCACTGAA-3'
Protein context (NP_009117.2, residues 1359-1379): HLQAAVVEAR[Ala1369Val]QASAAGILEE

ClinVar aggregate classification (germline): Uncertain significance. Review status: criteria provided, multiple submitters, no conflicts (2 of 4 stars). 2 submissions from 2 submitters: Uncertain significance (2). Last evaluated 2024-10-22.

Allele frequency attached by ClinVar (database versions not stated): gnomAD exomes 0.00001 and 0.00002; ExAC 0.00003; gnomAD 0.00013 and 0.00015; TOPMed 0.00013; ESP Exome Variant Server 0.00023.
gnomAD v4.1: 34 of 1,614,064 alleles (0.0021%); highest among the groups gnomAD compares: African/African-American, 0.041%; no homozygotes.

Submissions (2):

Labcorp Genetics (formerly Invitae), Labcorp
Classification: Uncertain significance. Last evaluated: 2024-10-22. Review status: criteria provided, single submitter. Criteria: Invitae Variant Classification Sherloc (09022015). Collection method: clinical testing. Allele origin: germline.
Comment: This sequence change replaces alanine, which is neutral and non-polar, with valine, which is neutral and non-polar, at codon 1369 of the CEP250 protein (p.Ala1369Val). This variant is present in population databases (rs142447631, gnomAD 0.04%). This variant has not been reported in the literature in individuals affected with CEP250-related conditions. ClinVar contains an entry for this variant (Variation ID: 1394151). An algorithm developed to predict the effect of missense changes on protein structure and function (PolyPhen-2) suggests that this variant is likely to be disruptive. In summary, the available evidence is currently insufficient to determine the role of this variant in disease. Therefore, it has been classified as a Variant of Uncertain Significance.

Ambry Genetics
Classification: Uncertain significance. Last evaluated: 2023-08-04. Review status: criteria provided, single submitter. Criteria: Ambry Variant Classification Scheme 2023. Collection method: clinical testing. Allele origin: germline.